The following is an entry in ClinVar:

ClinVar aggregate classification (germline): Uncertain significance. Review status: criteria provided, multiple submitters, no conflicts (2 of 4 stars). 5 submissions from 5 submitters: Uncertain significance (5). Last evaluated 2022-05-16.

Conditions:
Inborn genetic diseases. Identifiers: MedGen C0950123, MeSH D030342.
Autosomal recessive early-onset Parkinson disease 6 (PARK6). Also called: PINK1 Type of Young-Onset Parkinson Disease; PINK1-Related Parkinson Disease; PARKINSON DISEASE 6, EARLY-ONSET; PARKINSON DISEASE 6, MODIFIER OF. Identifiers: Orphanet 2828, MedGen C1853833, MONDO:0011613, OMIM 605909.

Allele frequency attached by ClinVar (database versions not stated): gnomAD exomes 0.00004; ExAC 0.00043.

Submissions (5):

Labcorp Genetics (formerly Invitae), Labcorp
Classification: Uncertain significance for Autosomal recessive early-onset Parkinson disease 6. Last evaluated: 2022-05-16. Review status: criteria provided, single submitter. Criteria: Invitae Variant Classification Sherloc (09022015). Collection method: clinical testing. Allele origin: germline.
Comment: This sequence change replaces glycine, which is neutral and non-polar, with arginine, which is basic and polar, at codon 47 of the PINK1 protein (p.Gly47Arg). This variant is present in population databases (rs746940423, gnomAD 0.006%). This variant has not been reported in the literature in individuals affected with PINK1-related conditions. Algorithms developed to predict the effect of missense changes on protein structure and function output the following: SIFT: "Deleterious"; PolyPhen-2: "Benign"; Align-GVGD: "Class C0". The arginine amino acid residue is found in multiple mammalian species, which suggests that this missense change does not adversely affect protein function. In summary, the available evidence is currently insufficient to determine the role of this variant in disease. Therefore, it has been classified as a Variant of Uncertain Significance.

Fulgent Genetics
Classification: Uncertain significance for Autosomal recessive early-onset Parkinson disease 6. Last evaluated: 2022-05-09. Review status: criteria provided, single submitter. Criteria: ACMG Guidelines, 2015. Collection method: clinical testing. Allele origin: unknown.

CeGaT Center for Human Genetics Tuebingen
Classification: Uncertain significance. Last evaluated: 2022-01-01. Review status: criteria provided, single submitter. Criteria: CeGaT Center For Human Genetics Tuebingen Variant Classification Criteria Version 2. Collection method: clinical testing. Allele origin: germline. Affected: yes. Observed: 1 variant allele.

Ambry Genetics
Classification: Uncertain significance for Inborn genetic diseases. Last evaluated: 2021-11-17. Review status: criteria provided, single submitter. Criteria: Ambry Variant Classification Scheme 2023. Collection method: clinical testing. Allele origin: germline.

Laboratorio de Genetica e Diagnostico Molecular, Hospital Israelita Albert Einstein
Classification: Uncertain significance. Last evaluated: 2020-11-10. Review status: criteria provided, single submitter. Criteria: ACMG Guidelines, 2015. Collection method: clinical testing. Allele origin: germline. Affected: yes.
Comment: ACMG classification criteria: PM2, BP4

NM_032409.3(PINK1):c.139G>C (p.Gly47Arg)

Genes: MIR6084 (microRNA 6084; plus strand), PINK1 (PTEN induced kinase 1; plus strand). Cytogenetic location: 1p36.12.
Variant type: single nucleotide variant.
Coding change: c.139G>C on transcript NM_032409.3 (MANE Select); coding-DNA position 139, G replaced by C.
Protein change: p.Gly47Arg; replaces glycine 47 with arginine.
Molecular consequence: missense variant. On other transcripts: non-coding transcript variant (1).
Genome position (GRCh38, 1-based): chr1:20,633,687, G>C. VCF-style: chr1-20633687-G-C. GRCh37 (hg19) VCF-style: chr1-20960180-G-C.
Other names: c.139G>C (NM_032409.2); short protein forms G47R.
Identifiers: ClinVar variation 1675350 (VCV001675350.39), dbSNP rs746940423, ClinGen allele CA660331.
Genomic context (GRCh38, chr1:20,633,687, plus strand): 5'-CGGGCCTACGGCTTGGGGCGGCCGGGCCCGGCGGCGGGCTGTGTCCGCGGGGAGCGTCCA[G>C]GCTGGGCCGCAGGACCGGGCGCGGAGCCTCGCAGGGTCGGGCTCGGGCTCCCTAACCGTC-3'
Protein context (NP_115785.1, residues 37-57): AAGCVRGERP[Gly47Arg]WAAGPGAEPR